The following is an entry in ClinVar:

NM_024577.4(SH3TC2):c.2039A>G (p.Tyr680Cys)

Gene: SH3TC2 (SH3 domain and tetratricopeptide repeats 2; minus strand). Cytogenetic location: 5q32.
Variant type: single nucleotide variant.
Coding change: c.2039A>G on transcript NM_024577.4 (MANE Select); coding-DNA position 2039, A replaced by G.
Protein change: p.Tyr680Cys; replaces tyrosine 680 with cysteine.
Molecular consequence: missense variant.
Genome position (GRCh38, 1-based): chr5:149,027,693, T>C on the plus strand (A>G on the coding strand, the complement: SH3TC2 is on the minus strand). VCF-style: chr5-149027693-T-C. GRCh37 (hg19) VCF-style: chr5-148407256-T-C.
Other names: short protein forms Y680C.
Identifiers: ClinVar variation 1040454 (VCV001040454.8), dbSNP rs763952745, ClinGen allele CA3499072.

ClinVar aggregate classification (germline): Uncertain significance (1 of 4 stars; one submission).

Conditions:
Charcot-Marie-Tooth disease type 4. Also called: Charcot-Marie-Tooth, Type 4; Charcot-Marie-Tooth disease, type IV. Identifiers: Orphanet 64749, MedGen C4082197, MONDO:0018995.

Allele frequency attached by ClinVar (database versions not stated): gnomAD exomes 0.00001; ExAC 0.00002.
gnomAD v4.1: 12 of 1,614,108 alleles (0.00074%); highest among the groups gnomAD compares: South Asian, 0.0011%; no homozygotes.

Submission:

Labcorp Genetics (formerly Invitae), Labcorp
Classification: Uncertain significance for Charcot-Marie-Tooth disease type 4. Last evaluated: 2020-10-16. Review status: criteria provided, single submitter. Criteria: Invitae Variant Classification Sherloc (09022015). Collection method: clinical testing. Allele origin: germline.
Comment: This sequence change replaces tyrosine with cysteine at codon 680 of the SH3TC2 protein (p.Tyr680Cys). The tyrosine residue is highly conserved and there is a large physicochemical difference between tyrosine and cysteine. This variant is present in population databases (rs763952745, ExAC 0.006%). This variant has not been reported in the literature in individuals with SH3TC2-related conditions. Algorithms developed to predict the effect of missense changes on protein structure and function (SIFT, PolyPhen-2, Align-GVGD) all suggest that this variant is likely to be disruptive, but these predictions have not been confirmed by published functional studies and their clinical significance is uncertain. In summary, the available evidence is currently insufficient to determine the role of this variant in disease. Therefore, it has been classified as a Variant of Uncertain Significance.